The following is an entry in ClinVar:

NM_003079.5(SMARCE1):c.169A>T (p.Ile57Phe)

Gene: SMARCE1 (SWI/SNF related BAF chromatin remodeling complex subunit E1; minus strand). Cytogenetic location: 17q21.2.
Variant type: single nucleotide variant.
Coding change: c.169A>T on transcript NM_003079.5 (MANE Select); coding-DNA position 169, A replaced by T.
Protein change: p.Ile57Phe; replaces isoleucine 57 with phenylalanine.
Molecular consequence: missense variant.
Genome position (GRCh38, 1-based): chr17:40,637,560, T>A on the plus strand (A>T on the coding strand, the complement: SMARCE1 is on the minus strand). VCF-style: chr17-40637560-T-A. GRCh37 (hg19) VCF-style: chr17-38793812-T-A.
Other names: short protein forms I57F.
Identifiers: ClinVar variation 1383771 (VCV001383771.6), dbSNP rs2143999604, ClinGen allele CA399367996.

ClinVar aggregate classification (germline): Uncertain significance (1 of 4 stars; one submission).

Conditions:
Familial meningioma. Also called: Meningioma, familial, susceptibility to. Identifiers: Orphanet 263662, MedGen C3551915, MONDO:0011789, OMIM 607174.

Submission:

Labcorp Genetics (formerly Invitae), Labcorp
Classification: Uncertain significance for Familial meningioma. Last evaluated: 2021-09-29. Review status: criteria provided, single submitter. Criteria: Invitae Variant Classification Sherloc (09022015). Collection method: clinical testing. Allele origin: germline.
Comment: In summary, the available evidence is currently insufficient to determine the role of this variant in disease. Therefore, it has been classified as a Variant of Uncertain Significance. Algorithms developed to predict the effect of missense changes on protein structure and function (SIFT, PolyPhen-2, Align-GVGD) all suggest that this variant is likely to be tolerated. This variant has not been reported in the literature in individuals affected with SMARCE1-related conditions. This variant is not present in population databases (ExAC no frequency). This sequence change replaces isoleucine with phenylalanine at codon 57 of the SMARCE1 protein (p.Ile57Phe). The isoleucine residue is moderately conserved and there is a small physicochemical difference between isoleucine and phenylalanine.